The following is an entry in ClinVar:

ClinVar aggregate classification (germline): Uncertain significance. Review status: criteria provided, multiple submitters, no conflicts (2 of 4 stars). 2 submissions from 2 submitters: Uncertain significance (2). Last evaluated 2025-07-23.

Conditions:
Inborn genetic diseases. Identifiers: MedGen C0950123, MeSH D030342.

Allele frequency attached by ClinVar (database versions not stated): gnomAD 0.00001; gnomAD exomes 0.00001; TOPMed 0.00001.
gnomAD v4.1: 20 of 1,551,750 alleles (0.0013%); highest among the groups gnomAD compares: Non-Finnish European, 0.0017%; no homozygotes.

Submissions (2):

Ambry Genetics
Classification: Uncertain significance for Inborn genetic diseases. Last evaluated: 2025-07-23. Review status: criteria provided, single submitter. Criteria: Ambry Variant Classification Scheme 2023. Collection method: clinical testing. Allele origin: germline.

Labcorp Genetics (formerly Invitae), Labcorp
Classification: Uncertain significance. Last evaluated: 2021-07-29. Review status: criteria provided, single submitter. Criteria: Invitae Variant Classification Sherloc (09022015). Collection method: clinical testing. Allele origin: germline.
Comment: This sequence change replaces lysine with glutamic acid at codon 205 of the TRAF3IP1 protein (p.Lys205Glu). The lysine residue is moderately conserved and there is a small physicochemical difference between lysine and glutamic acid. This variant is not present in population databases (ExAC no frequency). This variant has not been reported in the literature in individuals affected with TRAF3IP1-related conditions. Algorithms developed to predict the effect of missense changes on protein structure and function are either unavailable or do not agree on the potential impact of this missense change (SIFT: "Tolerated"; PolyPhen-2: "Possibly Damaging"; Align-GVGD: "Class C0"). In summary, the available evidence is currently insufficient to determine the role of this variant in disease. Therefore, it has been classified as a Variant of Uncertain Significance.

NM_015650.4(TRAF3IP1):c.613A>G (p.Lys205Glu)

Gene: TRAF3IP1 (TRAF3 interacting protein 1; plus strand). Cytogenetic location: 2q37.3.
Variant type: single nucleotide variant.
Coding change: c.613A>G on transcript NM_015650.4 (MANE Select); coding-DNA position 613, A replaced by G.
Protein change: p.Lys205Glu; replaces lysine 205 with glutamic acid.
Molecular consequence: missense variant.
Genome position (GRCh38, 1-based): chr2:238,329,040, A>G. VCF-style: chr2-238329040-A-G. GRCh37 (hg19) VCF-style: chr2-239237681-A-G.
Other names: c.613A>G, p.Lys205Glu (NM_001139490.1); c.613A>G (NM_015650.3); short protein forms K205E.
Identifiers: ClinVar variation 1371800 (VCV001371800.2), dbSNP rs1242767057, ClinGen allele CA351244690.